The following is an entry in ClinVar:

NM_182961.4(SYNE1):c.3494G>A (p.Arg1165His)

Gene: SYNE1 (spectrin repeat containing nuclear envelope protein 1; minus strand). Cytogenetic location: 6q25.2.
Variant type: single nucleotide variant.
Coding change: c.3494G>A on transcript NM_182961.4 (MANE Select); coding-DNA position 3494, G replaced by A.
Protein change: p.Arg1165His; replaces arginine 1165 with histidine.
Molecular consequence: missense variant.
Genome position (GRCh38, 1-based): chr6:152,449,543, C>T on the plus strand (G>A on the coding strand, the complement: SYNE1 is on the minus strand). VCF-style: chr6-152449543-C-T. GRCh37 (hg19) VCF-style: chr6-152770678-C-T.
Other names: c.3515G>A, p.Arg1172His (NM_033071.5); short protein forms R1165H, R1172H.
Identifiers: ClinVar variation 393258 (VCV000393258.4), dbSNP rs201354687, ClinGen allele CA4058833.
Genomic context (GRCh38, chr6:152,449,543, plus strand): 5'-TCTTCCACTATGAGAAATTTTCCTCTAGCAAATAATGACCCTGAACTTACTTCAACGGCA[C>T]GTTTAACCTCTCCGTGGTTGGCAGTATCGATGGCCTCACCCTTGATCCCCTTTAATTGTG-3'
Protein context (NP_892006.3, residues 1155-1175): IDTANHGEVK[Arg1165His]AVEEIRNGVT

ClinVar aggregate classification (germline): Uncertain significance. Review status: criteria provided, multiple submitters, no conflicts (2 of 4 stars). 2 submissions from 2 submitters: Uncertain significance (2). Last evaluated 2024-06-19.

Allele frequency attached by ClinVar (database versions not stated): TOPMed 0.00001.
gnomAD v4.1: 72 of 1,613,612 alleles (0.0045%); highest among the groups gnomAD compares: Non-Finnish European, 0.0058%; no homozygotes.

Submissions (2):

Athena Diagnostics
Classification: Uncertain significance. Last evaluated: 2024-06-19. Review status: criteria provided, single submitter. Criteria: Athena Diagnostics Criteria. Collection method: clinical testing. Allele origin: unknown.
Comment: Available data are insufficient to determine the clinical significance of the variant at this time. The frequency of this variant in the general population is uninformative in assessment of its pathogenicity. Polyphen and MutationTaster predict this amino acid change may be benign.

GeneDx
Classification: Uncertain significance. Last evaluated: 2017-02-01. Review status: criteria provided, single submitter. Criteria: GeneDx Variant Classification (06012015). Collection method: clinical testing. Allele origin: germline. Affected: yes.
Comment: The R1172H variant has not been published as a pathogenic variant, nor has it been reported as a benign variant to our knowledge. The R1172H variant is not observed at a significant frequency in large population cohorts (Lek et al., 2016; 1000 Genomes Consortium et al., 2015; Exome Variant Server). This variant is a conservative amino acid substitution, which is not likely to impact secondary protein structure as these residues share similar properties. This substitution occurs at a position that is not conserved. In silico analysis predicts this variant likely does not alter the protein structure/function.